The following is an entry in ClinVar:

NM_000287.4(PEX6):c.2228A>G (p.His743Arg)

Gene: PEX6 (peroxisomal biogenesis factor 6; minus strand). Cytogenetic location: 6p21.1.
Variant type: single nucleotide variant.
Coding change: c.2228A>G on transcript NM_000287.4 (MANE Select); coding-DNA position 2228, A replaced by G.
Protein change: p.His743Arg; replaces histidine 743 with arginine.
Molecular consequence: missense variant.
Genome position (GRCh38, 1-based): chr6:42,966,314, T>C on the plus strand (A>G on the coding strand, the complement: PEX6 is on the minus strand). VCF-style: chr6-42966314-T-C. GRCh37 (hg19) VCF-style: chr6-42934052-T-C.
Other names: c.1964A>G, p.His655Arg (NM_001316313.2); short protein forms H655R, H743R.
Identifiers: ClinVar variation 1377356 (VCV001377356.5), dbSNP rs1313804105, ClinGen allele CA364152247.

ClinVar aggregate classification (germline): Uncertain significance (1 of 4 stars; one submission).

Conditions:
Peroxisome biogenesis disorder. Identifiers: Orphanet 79189, MedGen C1832200, MONDO:0019234. Disease mechanism: loss of function.

Allele frequency attached by ClinVar (database versions not stated): gnomAD exomes below 0.00001; gnomAD 0.00001; TOPMed 0.00001.
gnomAD v4.1: 3 of 1,613,088 alleles (0.00019%); highest among the groups gnomAD compares: African/African-American, 0.0013%; no homozygotes.

Submission:

Labcorp Genetics (formerly Invitae), Labcorp
Classification: Uncertain significance for Peroxisome biogenesis disorder. Last evaluated: 2022-03-19. Review status: criteria provided, single submitter. Criteria: Invitae Variant Classification Sherloc (09022015). Collection method: clinical testing. Allele origin: germline.
Comment: This sequence change replaces histidine, which is basic and polar, with arginine, which is basic and polar, at codon 743 of the PEX6 protein (p.His743Arg). This variant is not present in population databases (gnomAD no frequency). This variant has not been reported in the literature in individuals affected with PEX6-related conditions. Algorithms developed to predict the effect of missense changes on protein structure and function are either unavailable or do not agree on the potential impact of this missense change (SIFT: "Deleterious"; PolyPhen-2: "Benign"; Align-GVGD: "Class C0"). In summary, the available evidence is currently insufficient to determine the role of this variant in disease. Therefore, it has been classified as a Variant of Uncertain Significance.